The following is an entry in ClinVar:

NM_001356.5(DDX3X):c.544-8_544-6del

Gene: DDX3X (DEAD-box helicase 3 X-linked; plus strand). Cytogenetic location: Xp11.4.
Variant type: Deletion.
Coding change: c.544-8_544-6del on transcript NM_001356.5 (MANE Select); 8 bases into the intron before coding-DNA position 544 through 6 bases into the intron before coding-DNA position 544, 3 bases deleted (CTT; older notation c.544-8_544-6delCTT).
Molecular consequence: intron variant.
Genome position (GRCh38, 1-based): chrX:41,343,208-41,343,210, CTT deleted; deleting any 3 consecutive bases within chrX:41,343,206-41,343,210 gives the same sequence; the c. name uses the placement nearest the transcript's 3' end. VCF-style (leftmost placement, unchanged base first): chrX-41343205-TTTC-T. GRCh37 (hg19) VCF-style: chrX-41202458-TTTC-T.
Other names: c.544-10_544-8delTTC (NM_001193416.3); c.544-8_544-6del (NM_001193416.3); c.496-8_496-6del (NM_001193417.3); c.-15-8_-15-6del (NM_001363819.1).
Identifiers: ClinVar variation 1012292 (VCV001012292.3), dbSNP rs2063875026, ClinGen allele CA2425880130.

ClinVar aggregate classification (germline): Likely pathogenic (0 of 4 stars; one submission).

Conditions:
Intellectual disability, X-linked 102 (MRXSSB). Also called: Intellectual developmental disorder, X-linked syndromic, Snijders Blok type. Identifiers: Orphanet 457260, MedGen C5393299, MONDO:0010497, OMIM 300958.

Submission:

HUSP Clinical Genetics Laboratory, Hospital Universitario San Pedro De Logroño (HUSP)
Classification: Likely pathogenic for Intellectual disability, X-linked 102. Last evaluated: 2020-10-16. Review status: no assertion criteria provided. Collection method: clinical testing. Allele origin: de novo. Inheritance: X-linked inheritance. Affected: yes. Observed: 1 variant allele, 1 heterozygote.
Comment: The c.544-10_544-8del variant in the DDX3X gene (NM_001193416.3) is a deletion of three nucleotides of intron 6. The in-silico tools predict that it is very likely to affect conventional splicing. This alteration has not been reported previously in the literature, however, in HGMD (ID: CD208594) an equivalent deletion is registered as pathological (c.544-8_544-6delCTT). Pathological variants in the DDX3X gene are associated with the phenotype of "Disorder of intellectual development X-linked Snijders Blok type "(OMIM: 300958). Therefore, the clinical significance of the c.544-10_544-8del variant is likely pathogenic.